The following is an entry in ClinVar:

ClinVar aggregate classification (germline): Pathogenic. Review status: criteria provided, multiple submitters, no conflicts (2 of 4 stars). 2 submissions from 2 submitters: Pathogenic (2). Last evaluated 2025-09-09.

Conditions:
Multiple congenital exostosis (EXT). Also called: Hereditary multiple exostoses; Hereditary multiple exostosis; MULTIPLE CARTILAGINOUS EXOSTOSES; Multiple exostoses; Hereditary multiple osteochondromas; Multiple osteochondromas. Identifiers: Orphanet 321, MedGen C0015306, MONDO:0005508, HP:0002762.

Submissions (2):

GeneDx
Classification: Pathogenic. Last evaluated: 2025-09-09. Review status: criteria provided, single submitter. Criteria: GeneDx Variant Classification Process June 2021. Collection method: clinical testing. Allele origin: germline. Affected: yes.
Comment: Identified in a patient belonging to a cohort of families with multiple osteochondromas in published literature (PMID: 18165274) but additional evidence is not available; Canonical splice site variant predicted to result in a null allele in a gene for which loss of function is a known mechanism of disease; Not observed at significant frequency in large population cohorts (gnomAD); This variant is associated with the following publications: (PMID: 30334991, 18165274)

Labcorp Genetics (formerly Invitae), Labcorp
Classification: Pathogenic for Multiple congenital exostosis. Last evaluated: 2020-04-23. Review status: criteria provided, single submitter. Criteria: Invitae Variant Classification Sherloc (09022015). Collection method: clinical testing. Allele origin: germline.
Comment: This sequence change affects an acceptor splice site in intron 8 of the EXT1 gene. It is expected to disrupt RNA splicing and likely results in an absent or disrupted protein product. This variant is not present in population databases (ExAC no frequency). Disruption of this splice site has been observed in individual(s) with hereditary multiple osteochondromas (PMID: 18165274, 30334991). This variant has also been reported as c.1722-2A>C. Algorithms developed to predict the effect of sequence changes on RNA splicing suggest that this variant may disrupt the consensus splice site, but this prediction has not been confirmed by published transcriptional studies. Donor and acceptor splice site variants typically lead to a loss of protein function (PMID: 16199547), and loss-of-function variants in EXT1 are known to be pathogenic (PMID: 10679937, 11391482, 19810120). For these reasons, this variant has been classified as Pathogenic.

Literature cited by the submitters: PubMed 18165274 (cited by Labcorp Genetics (formerly Invitae), Labcorp); PubMed 30334991 (cited by Labcorp Genetics (formerly Invitae), Labcorp); PubMed 16199547 (cited by Labcorp Genetics (formerly Invitae), Labcorp); PubMed 10679937 (cited by Labcorp Genetics (formerly Invitae), Labcorp); PubMed 11391482 (cited by Labcorp Genetics (formerly Invitae), Labcorp); PubMed 19810120 (cited by Labcorp Genetics (formerly Invitae), Labcorp).

NM_000127.3(EXT1):c.1723-2A>C

Gene: EXT1 (exostosin glycosyltransferase 1; minus strand). Cytogenetic location: 8q24.11.
Variant type: single nucleotide variant.
Coding change: c.1723-2A>C on transcript NM_000127.3 (MANE Select); the canonical splice acceptor site of the intron before coding-DNA position 1723, A replaced by C.
Molecular consequence: splice acceptor variant.
Genome position (GRCh38, 1-based): chr8:117,807,379, T>G on the plus strand (A>C on the coding strand, the complement: EXT1 is on the minus strand). VCF-style: chr8-117807379-T-G. GRCh37 (hg19) VCF-style: chr8-118819618-T-G.
Identifiers: ClinVar variation 1069505 (VCV001069505.10), dbSNP rs1823255835, ClinGen allele CA371878705.